The following is an entry in ClinVar:

NM_000435.3(NOTCH3):c.6031G>A (p.Val2011Ile)

Gene: NOTCH3 (notch receptor 3; minus strand). Cytogenetic location: 19p13.12.
Variant type: single nucleotide variant.
Coding change: c.6031G>A on transcript NM_000435.3 (MANE Select); coding-DNA position 6031, G replaced by A.
Protein change: p.Val2011Ile; replaces valine 2011 with isoleucine.
Molecular consequence: missense variant.
Genome position (GRCh38, 1-based): chr19:15,161,597, C>T on the plus strand (G>A on the coding strand, the complement: NOTCH3 is on the minus strand). VCF-style: chr19-15161597-C-T. GRCh37 (hg19) VCF-style: chr19-15272408-C-T.
Other names: short protein forms V2011I.
Identifiers: ClinVar variation 256147 (VCV000256147.40), dbSNP rs142007575, ClinGen allele CA9262441.
Genomic context (GRCh38, chr19:15,161,597, plus strand): 5'-GGGGCCCACTGGGTTGATCCAGCAAGCGCACGATGTCCTGGTGCAGTCTCTCCTGGGCTA[C>T]GTCCCGCGGCAGCCTGTCCAGGTGGTCGGTGATCTCACGGTTGGCAAAGTGGTCCAACAG-3'
Protein context (NP_000426.2, residues 2001-2021): TDHLDRLPRD[Val2011Ile]AQERLHQDIV

ClinVar aggregate classification (germline): Benign/Likely benign. Review status: criteria provided, multiple submitters, no conflicts (2 of 4 stars). 6 submissions from 6 submitters: Benign (1); Likely benign (5). Last evaluated 2025-06-12.

Conditions:
Cerebral arteriopathy, autosomal dominant, with subcortical infarcts and leukoencephalopathy, type 1 (CADASIL1). Also called: DEMENTIA, HEREDITARY MULTIINFARCT TYPE; CADASIL 1; CASIL; Cerebral arteriopathy with subcortical infarcts and leukoencephalopathy 1. Identifiers: Orphanet 136, MedGen C4551768, MONDO:0000914, OMIM 125310.

Allele frequency attached by ClinVar (database versions not stated): gnomAD 0.00011 and 0.00013; ESP Exome Variant Server 0.00015; gnomAD exomes 0.00019; TOPMed 0.00020; ExAC 0.00031; 1000 Genomes Project 0.00060; 1000 Genomes Project 30x 0.00078.

Submissions (6):

Labcorp Genetics (formerly Invitae), Labcorp
Classification: Likely benign. Last evaluated: 2025-06-12. Review status: criteria provided, single submitter. Criteria: Invitae Variant Classification Sherloc (09022015). Collection method: clinical testing. Allele origin: germline.

Blueprint Genetics
Classification: Likely benign. Last evaluated: 2024-11-08. Review status: criteria provided, single submitter. Criteria: ACMG Guidelines, 2015. Collection method: clinical testing. Allele origin: germline.

CeGaT Center for Human Genetics Tuebingen
Classification: Likely benign. Last evaluated: 2022-07-01. Review status: criteria provided, single submitter. Criteria: CeGaT Center For Human Genetics Tuebingen Variant Classification Criteria Version 2. Collection method: clinical testing. Allele origin: germline. Affected: yes. Observed: 1 variant allele.
Comment: NOTCH3: PP2, BP4, BS2

Athena Diagnostics
Classification: Likely benign. Last evaluated: 2020-03-17. Review status: criteria provided, single submitter. Criteria: Athena Diagnostics Criteria. Collection method: clinical testing. Allele origin: unknown.

Illumina Laboratory Services, Illumina
Classification: Likely benign for Cerebral arteriopathy, autosomal dominant, with subcortical infarcts and leukoencephalopathy, type 1. Last evaluated: 2018-01-13. Review status: criteria provided, single submitter. Criteria: ICSL Variant Classification Criteria 13 December 2019. Collection method: clinical testing. Allele origin: germline.
Comment: This variant was observed in the ICSL laboratory as part of a predisposition screen in an ostensibly healthy population. It had not been previously curated by ICSL or reported in the Human Gene Mutation Database (HGMD: prior to June 1st, 2018), and was therefore a candidate for classification through an automated scoring system. Utilizing variant allele frequency, disease prevalence and penetrance estimates, and inheritance mode, an automated score was calculated to assess if this variant is too frequent to cause the disease. Based on the score and internal cut-off values, a variant classified as likely benign is not then subjected to further curation. The score for this variant resulted in a classification of likely benign for this disease.

PreventionGenetics, part of Exact Sciences
Classification: Benign. Review status: criteria provided, single submitter. Criteria: ACMG Guidelines, 2015. Collection method: clinical testing. Allele origin: germline.

Literature cited by the submitters: PubMed 24086431 (cited by Athena Diagnostics).